The following is an entry in ClinVar:

ClinVar aggregate classification (germline): Pathogenic (1 of 4 stars; one submission).

Conditions:
Mucopolysaccharidosis type 1. Also called: Mucopolysaccharidosis Type I; IDUA deficiency; MPS I. Identifiers: Orphanet 579, MedGen C0023786, MONDO:0001586.

Submission:

Labcorp Genetics (formerly Invitae), Labcorp
Classification: Pathogenic for Mucopolysaccharidosis type 1. Last evaluated: 2025-01-20. Review status: criteria provided, single submitter. Criteria: Invitae Variant Classification Sherloc (09022015). Collection method: clinical testing. Allele origin: germline.
Comment: This sequence change creates a premature translational stop signal (p.Asp142Leufs*51) in the IDUA gene. It is expected to result in an absent or disrupted protein product. Loss-of-function variants in IDUA are known to be pathogenic (PMID: 11735025, 21480867). This variant is not present in population databases (gnomAD no frequency). This variant has not been reported in the literature in individuals affected with IDUA-related conditions. Algorithms developed to predict the effect of sequence changes on RNA splicing suggest that this variant may disrupt the consensus splice site. For these reasons, this variant has been classified as Pathogenic.

Literature cited by the submitters: PubMed 11735025; PubMed 21480867.

NM_000203.5(IDUA):c.424_427del (p.Asp142fs)

Gene: IDUA (alpha-L-iduronidase; plus strand). Cytogenetic location: 4p16.3.
Variant type: Deletion.
Coding change: c.424_427del on transcript NM_000203.5 (MANE Select); coding-DNA positions 424 to 427, 4 bases deleted (GACT; older notation c.424_427delGACT).
Protein change: p.Asp142fs; shifts the reading frame from aspartic acid 142.
Molecular consequence: frameshift variant. On other transcripts: non-coding transcript variant (1).
Genome position (GRCh38, 1-based): chr4:1,000,920-1,000,923, GACT deleted; deleting any 4 consecutive bases within chr4:1,000,917-1,000,923 gives the same sequence; the c. name uses the placement nearest the transcript's 3' end. VCF-style (leftmost placement, unchanged base first): chr4-1000916-CACTG-C. GRCh37 (hg19) VCF-style: chr4-994704-CACTG-C.
Other names: c.28_31del, p.Asp10fs (NM_001363576.1); short protein forms D10fs, D142fs.
Identifiers: ClinVar variation 3729205 (VCV003729205.2).